The following is an entry in ClinVar:

ClinVar aggregate classification (germline): Benign/Likely benign. Review status: criteria provided, multiple submitters, no conflicts (2 of 4 stars). 3 submissions from 2 submitters: Benign (2); Likely benign (1). Last evaluated 2018-05-08.

Conditions:
Sacral defect with anterior meningocele. Identifiers: MedGen C1838568, OMIM 600145.
Neural tube defect (NTD). Also called: Neural tube defects. Identifiers: Orphanet 3388, Orphanet 823, MedGen C0027794, MONDO:0018075, HP:0045005.

Allele frequency attached by ClinVar (database versions not stated): gnomAD exomes 0.00038 and 0.00042; ExAC 0.00044; gnomAD 0.00060; ESP Exome Variant Server 0.00062; 1000 Genomes Project 0.00080; TOPMed 0.00098; 1000 Genomes Project 30x 0.00109.
gnomAD v4.1: 664 of 1,614,240 alleles (0.041%); highest among the groups gnomAD compares: Admixed American, 0.16%; no homozygotes.

Submissions (3):

Labcorp Genetics (formerly Invitae), Labcorp
Classification: Likely benign. Last evaluated: 2018-05-08. Review status: criteria provided, single submitter. Criteria: Invitae Variant Classification Sherloc (09022015). Collection method: clinical testing. Allele origin: germline.

Illumina Laboratory Services, Illumina
Classification: Benign for Neural tube defects, susceptibility to. Last evaluated: 2017-04-27. Review status: criteria provided, single submitter. Criteria: ICSL Variant Classification Criteria 13 December 2019. Collection method: clinical testing. Allele origin: germline.
Comment: This variant was observed as part of a predisposition screen in an ostensibly healthy population. A literature search was performed for the gene, cDNA change, and amino acid change (where applicable). Publications were found based on this search. The evidence from the literature, in combination with allele frequency data from public databases where available, was sufficient to rule this variant out of causing disease. Therefore, this variant is classified as benign.

Illumina Laboratory Services, Illumina
Classification: Benign for Sacral defect with anterior meningocele. Last evaluated: 2017-04-27. Review status: criteria provided, single submitter. Criteria: ICSL Variant Classification Criteria 13 December 2019. Collection method: clinical testing. Allele origin: germline.
Comment: This variant was observed as part of a predisposition screen in an ostensibly healthy population. A literature search was performed for the gene, cDNA change, and amino acid change (where applicable). No publications were found based on this search. Allele frequency data from public databases was too high to be consistent with this variant causing disease. Therefore, this variant is classified as benign.

Literature cited by the submitters: PubMed 19319979 (cited by Illumina Laboratory Services, Illumina); PubMed 25208524 (cited by Illumina Laboratory Services, Illumina).

NM_138959.3(VANGL1):c.285C>T (p.Ile95=)

Gene: VANGL1 (VANGL planar cell polarity protein 1; plus strand). Cytogenetic location: 1p13.1.
Variant type: single nucleotide variant.
Coding change: c.285C>T on transcript NM_138959.3 (MANE Select); coding-DNA position 285, C replaced by T.
Protein change: p.Ile95=; no amino-acid change (isoleucine 95 retained).
Molecular consequence: synonymous variant.
Genome position (GRCh38, 1-based): chr1:115,663,741, C>T. VCF-style: chr1-115663741-C-T. GRCh37 (hg19) VCF-style: chr1-116206362-C-T.
Other names: c.279C>T, p.Ile93= (NM_001172411.2); c.285C>T, p.Ile95= (NM_001172412.2).
Identifiers: ClinVar variation 733877 (VCV000733877.7), dbSNP rs140451005, ClinGen allele CA1023208.